The following is an entry in ClinVar:

NM_032380.5(GFM2):c.915G>A (p.Leu305=)

Gene: GFM2 (GTP dependent ribosome recycling factor mitochondrial 2; minus strand). Cytogenetic location: 5q13.3.
Variant type: single nucleotide variant.
Coding change: c.915G>A on transcript NM_032380.5 (MANE Select); coding-DNA position 915, G replaced by A.
Protein change: p.Leu305=; no amino-acid change (leucine 305 retained).
Molecular consequence: synonymous variant. On other transcripts: non-coding transcript variant (1).
Genome position (GRCh38, 1-based): chr5:74,741,544, C>T on the plus strand (G>A on the coding strand, the complement: GFM2 is on the minus strand). VCF-style: chr5-74741544-C-T. GRCh37 (hg19) VCF-style: chr5-74037369-C-T.
Other names: p.L305L:TTG>TTA; p.Leu305=; c.1011G>A, p.Leu337= (NM_001281302.2); c.915G>A, p.Leu305= (NM_170681.3, NM_170691.3).
Identifiers: ClinVar variation 137473 (VCV000137473.14), dbSNP rs35565659, ClinGen allele CA291075.

ClinVar aggregate classification (germline): Benign. Review status: criteria provided, multiple submitters, no conflicts (2 of 4 stars). 4 submissions from 4 submitters: Benign (4). Last evaluated 2026-01-27.

Allele frequency attached by ClinVar (database versions not stated): ESP Exome Variant Server 0.03062; 1000 Genomes Project 30x 0.03201; gnomAD 0.02445 and 0.02606; TOPMed 0.02803; 1000 Genomes Project 0.03035.
gnomAD v4.1: 6,840 of 1,548,734 alleles (0.44%); highest among the groups gnomAD compares: African/African-American, 8.3%; 276 homozygotes.

Submissions (4):

Labcorp Genetics (formerly Invitae), Labcorp
Classification: Benign. Last evaluated: 2026-01-27. Review status: criteria provided, single submitter. Criteria: Invitae Variant Classification Sherloc (09022015). Collection method: clinical testing. Allele origin: germline.

Mayo Clinic Laboratories, Mayo Clinic
Classification: Benign. Last evaluated: 2022-12-18. Review status: criteria provided, single submitter. Criteria: ACMG Guidelines, 2015. Collection method: clinical testing. Allele origin: germline. Observed: 10 variant alleles.

GeneDx
Classification: Benign. Last evaluated: 2013-12-26. Review status: criteria provided, single submitter. Criteria: GeneDx Variant Classification (06012015). Collection method: clinical testing. Allele origin: germline. Affected: yes.
Comment: This variant is considered likely benign or benign based on one or more of the following criteria: it is a conservative change, it occurs at a poorly conserved position in the protein, it is predicted to be benign by multiple in silico algorithms, and/or has population frequency not consistent with disease.

Breakthrough Genomics
Classification: Benign. Review status: criteria provided, single submitter. Criteria: ACMG Guidelines, 2015. Collection method: not provided. Allele origin: germline. Inheritance: Autosomal recessive inheritance. Affected: yes.